The following is an entry in ClinVar:

ClinVar aggregate classification (germline): Likely benign. Review status: criteria provided, multiple submitters, no conflicts (2 of 4 stars). 2 submissions from 2 submitters: Likely benign (2). Last evaluated 2026-04-15.

Conditions:
VPS13B-related disorder. Also called: VPS13B-related condition.
Cohen syndrome (COH1). Also called: PEPPER SYNDROME; Cutis verticis gyrata, retinitis pigmentosa, and sensorineural deafness. Identifiers: Orphanet 193, MedGen C0265223, MONDO:0008999, OMIM 216550.

Allele frequency attached by ClinVar (database versions not stated): gnomAD exomes 0.00002; ExAC 0.00004.
gnomAD v4.1: 22 of 1,610,944 alleles (0.0014%); highest among the groups gnomAD compares: South Asian, 0.024%; no homozygotes.

Submissions (2):

PreventionGenetics, part of Exact Sciences
Classification: Likely benign for VPS13B-related condition. Last evaluated: 2026-04-15. Review status: criteria provided, single submitter. Criteria: ACMG Guidelines, 2015. Collection method: clinical testing. Allele origin: germline.
Comment: This variant is classified as likely benign based on ACMG/AMP sequence variant interpretation guidelines (Richards et al. 2015 PMID: 25741868, with internal and published modifications).

Labcorp Genetics (formerly Invitae), Labcorp
Classification: Likely benign for Cohen syndrome. Last evaluated: 2024-03-03. Review status: criteria provided, single submitter. Criteria: Invitae Variant Classification Sherloc (09022015). Collection method: clinical testing. Allele origin: germline.

NM_152564.5(VPS13B):c.291+8A>G

Gene: VPS13B (vacuolar protein sorting 13 homolog B; plus strand). Cytogenetic location: 8q22.2.
Variant type: single nucleotide variant.
Coding change: c.291+8A>G on transcript NM_152564.5 (MANE Select); 8 bases into the intron after coding-DNA position 291, A replaced by G.
Molecular consequence: intron variant.
Genome position (GRCh38, 1-based): chr8:99,038,574, A>G. VCF-style: chr8-99038574-A-G. GRCh37 (hg19) VCF-style: chr8-100050802-A-G.
Other names: c.291+8A>G (NM_017890.5, NM_015243.3, NM_181661.3 and 1 more transcripts).
Identifiers: ClinVar variation 2865662 (VCV002865662.4), dbSNP rs754862945, ClinGen allele CA4822320.
Genomic context (GRCh38, chr8:99,038,574, plus strand): 5'-TAATTACCATCAATACTATGGAATGCATTTTGAAACTTAAGGATGGGATACAGGTAAGAA[A>G]TTATTGAACCAAGTTGTTTATGTTAACTAATTTTAGTAGTATTTGACATTTCTTTACCTT-3'